The following is an entry in ClinVar:

ClinVar aggregate classification (germline): Benign (0 of 4 stars; one submission).

Conditions:
MSR1-related disorder. Also called: MSR1-related condition.

Allele frequency attached by ClinVar (database versions not stated): 1000 Genomes Project 30x 0.99703; 1000 Genomes Project 0.99740; ESP Exome Variant Server 0.99746; TOPMed 0.99771; gnomAD 0.99786; ExAC 0.99920; gnomAD exomes 0.99979.
gnomAD v4.1: 1,609,363 of 1,609,998 alleles (100%); highest among the groups gnomAD compares: Middle Eastern, 100%; 804,369 homozygotes.

Submission:

PreventionGenetics, part of Exact Sciences
Classification: Benign for MSR1-related condition. Last evaluated: 2019-11-26. Review status: no assertion criteria provided. Collection method: clinical testing. Allele origin: germline.
Comment: This variant is classified as benign based on ACMG/AMP sequence variant interpretation guidelines (Richards et al. 2015 PMID: 25741868, with internal and published modifications).

NM_138715.3(MSR1):c.1086G>A (p.Arg362=)

Gene: MSR1 (macrophage scavenger receptor 1; minus strand). Cytogenetic location: 8p22.
Variant type: single nucleotide variant.
Coding change: c.1086G>A on transcript NM_138715.3 (MANE Select); coding-DNA position 1086, G replaced by A.
Protein change: p.Arg362=; no amino-acid change (arginine 362 retained).
Molecular consequence: synonymous variant. On other transcripts: intron variant (1).
Genome position (GRCh38, 1-based): chr8:16,120,554, C>T on the plus strand (G>A on the coding strand, the complement: MSR1 is on the minus strand). VCF-style: chr8-16120554-C-T. GRCh37 (hg19) VCF-style: chr8-15978063-C-T.
Other names: c.1140G>A, p.Arg380= (NM_001363744.1); c.1034-10336G>A (NM_138716.3).
Identifiers: ClinVar variation 3060145 (VCV003060145.2), dbSNP rs4338104, ClinGen allele CA4640929.